The following is an entry in ClinVar:

NM_018122.5(DARS2):c.292G>A (p.Glu98Lys)

Gene: DARS2 (aspartyl-tRNA synthetase 2, mitochondrial; plus strand). Cytogenetic location: 1q25.1.
Variant type: single nucleotide variant.
Coding change: c.292G>A on transcript NM_018122.5 (MANE Select); coding-DNA position 292, G replaced by A.
Protein change: p.Glu98Lys; replaces glutamic acid 98 with lysine.
Molecular consequence: missense variant.
Genome position (GRCh38, 1-based): chr1:173,828,397, G>A. VCF-style: chr1-173828397-G-A. GRCh37 (hg19) VCF-style: chr1-173797535-G-A.
Other names: c.292G>A, p.Glu98Lys (NM_001365212.1, NM_001365213.2); short protein forms E98K.
Identifiers: ClinVar variation 2002034 (VCV002002034.4), dbSNP rs2525839699, ClinGen allele CA343757156.

ClinVar aggregate classification (germline): Uncertain significance (1 of 4 stars; one submission).

Submission:

Labcorp Genetics (formerly Invitae), Labcorp
Classification: Uncertain significance. Last evaluated: 2022-06-22. Review status: criteria provided, single submitter. Criteria: Invitae Variant Classification Sherloc (09022015). Collection method: clinical testing. Allele origin: germline.
Comment: This variant is not present in population databases (gnomAD no frequency). This sequence change replaces glutamic acid, which is acidic and polar, with lysine, which is basic and polar, at codon 98 of the DARS2 protein (p.Glu98Lys). This variant has not been reported in the literature in individuals affected with DARS2-related conditions. In summary, the available evidence is currently insufficient to determine the role of this variant in disease. Therefore, it has been classified as a Variant of Uncertain Significance. Algorithms developed to predict the effect of missense changes on protein structure and function (SIFT, PolyPhen-2, Align-GVGD) all suggest that this variant is likely to be tolerated.